The following is an entry in ClinVar:

NM_000179.3(MSH6):c.780C>T (p.Gly260=)

Gene: MSH6 (mutS homolog 6; plus strand). Cytogenetic location: 2p16.3.
Variant type: single nucleotide variant.
Coding change: c.780C>T on transcript NM_000179.3 (MANE Select); coding-DNA position 780, C replaced by T.
Protein change: p.Gly260=; no amino-acid change (glycine 260 retained).
Molecular consequence: synonymous variant. On other transcripts: 5 prime UTR variant (2).
Genome position (GRCh38, 1-based): chr2:47,798,763, C>T. VCF-style: chr2-47798763-C-T. GRCh37 (hg19) VCF-style: chr2-48025902-C-T.
Other names: c.390C>T, p.Gly130= (NM_001281492.2); c.-127C>T (NM_001281493.2, NM_001281494.2).
Identifiers: ClinVar variation 455345 (VCV000455345.12), dbSNP rs1553412204, ClinGen allele CA426120781.

ClinVar aggregate classification (germline): Benign/Likely benign. Review status: criteria provided, multiple submitters, no conflicts (2 of 4 stars). 3 submissions from 3 submitters: Benign (1); Likely benign (2). Last evaluated 2026-01-25.

Conditions:
Hereditary nonpolyposis colorectal neoplasms. Identifiers: MedGen C0009405, MeSH D003123.
Hereditary cancer-predisposing syndrome. Also called: Hereditary Cancer Syndrome; Hereditary neoplastic syndrome; Neoplastic Syndromes, Hereditary; Tumor predisposition. Identifiers: Orphanet 140162, MedGen C0027672, MeSH D009386, MONDO:0015356.
Lynch syndrome 5 (LYNCH5). Also called: Hereditary non-polyposis colorectal cancer, type 5; Colorectal cancer, hereditary nonpolyposis, type 5. Identifiers: Orphanet 144, MedGen C1833477, MONDO:0013710, OMIM 614350. Disease mechanism: loss of function.

Submissions (3):

Labcorp Genetics (formerly Invitae), Labcorp
Classification: Likely benign for Hereditary nonpolyposis colorectal neoplasms. Last evaluated: 2026-01-25. Review status: criteria provided, single submitter. Criteria: Invitae Variant Classification Sherloc (09022015). Collection method: clinical testing. Allele origin: germline.

Myriad Genetics, Inc.
Classification: Benign for Lynch syndrome 5. Last evaluated: 2024-12-20. Review status: criteria provided, single submitter. Criteria: Myriad Autosomal Dominant, Autosomal Recessive and X-Linked Classification Criteria (2023). Collection method: clinical testing. Allele origin: unknown.
Comment: This variant is considered benign. This variant is a silent/synonymous amino acid change and it is not expected to impact splicing.

Ambry Genetics
Classification: Likely benign for Hereditary cancer-predisposing syndrome. Last evaluated: 2023-05-07. Review status: criteria provided, single submitter. Criteria: Ambry Variant Classification Scheme 2023. Collection method: clinical testing. Allele origin: germline.